The following is an entry in ClinVar:

ClinVar aggregate classification (germline): Uncertain significance (1 of 4 stars; one submission).

Submission:

GeneDx
Classification: Uncertain significance. Last evaluated: 2025-05-15. Review status: criteria provided, single submitter. Criteria: GeneDx Variant Classification Process June 2021. Collection method: clinical testing. Allele origin: germline. Affected: yes.
Comment: Not observed at significant frequency in large population cohorts (gnomAD); In silico analysis supports a deleterious effect on splicing; Has not been previously published as pathogenic or benign to our knowledge

NM_017934.7(PHIP):c.823-11T>A

Gene: PHIP (PHIP subunit of CUL4-Ring ligase complex; minus strand). Cytogenetic location: 6q14.1.
Variant type: single nucleotide variant.
Coding change: c.823-11T>A on transcript NM_017934.7 (MANE Select); 11 bases into the intron before coding-DNA position 823, T replaced by A.
Molecular consequence: intron variant.
Genome position (GRCh38, 1-based): chr6:79,025,630, A>T on the plus strand (T>A on the coding strand, the complement: PHIP is on the minus strand). VCF-style: chr6-79025630-A-T. GRCh37 (hg19) VCF-style: chr6-79735347-A-T.
Identifiers: ClinVar variation 4529590 (VCV004529590.1).